The following is an entry in ClinVar:

NM_004385.5(VCAN):c.6518A>C (p.Glu2173Ala)

Genes: VCAN (versican; plus strand), VCAN-AS1 (VCAN antisense RNA 1; minus strand). Cytogenetic location: 5q14.3.
Variant type: single nucleotide variant.
Coding change: c.6518A>C on transcript NM_004385.5 (MANE Select); coding-DNA position 6518, A replaced by C.
Protein change: p.Glu2173Ala; replaces glutamic acid 2173 with alanine.
Molecular consequence: missense variant. On other transcripts: intron variant (2).
Genome position (GRCh38, 1-based): chr5:83,539,521, A>C. VCF-style: chr5-83539521-A-C. GRCh37 (hg19) VCF-style: chr5-82835340-A-C.
Other names: c.3557A>C, p.Glu1186Ala (NM_001164097.2); c.4004-6016A>C (NM_001164098.2); c.1043-6016A>C (NM_001126336.3); short protein forms E1186A, E2173A.
Identifiers: ClinVar variation 1935294 (VCV001935294.6), dbSNP rs757235497, ClinGen allele CA3333489.

ClinVar aggregate classification (germline): Uncertain significance. Review status: criteria provided, multiple submitters, no conflicts (2 of 4 stars). 2 submissions from 2 submitters: Uncertain significance (2). Last evaluated 2024-09-30.

Allele frequency attached by ClinVar (database versions not stated): TOPMed below 0.00001; ExAC 0.00001; gnomAD 0.00001; gnomAD exomes 0.00001.
gnomAD v4.1: 6 of 1,613,878 alleles (0.00037%); highest among the groups gnomAD compares: Non-Finnish European, 0.00051%; no homozygotes.

Submissions (2):

Blueprint Genetics
Classification: Uncertain significance. Last evaluated: 2024-09-30. Review status: criteria provided, single submitter. Criteria: ACMG Guidelines, 2015. Collection method: clinical testing. Allele origin: germline.

Labcorp Genetics (formerly Invitae), Labcorp
Classification: Uncertain significance. Last evaluated: 2023-03-26. Review status: criteria provided, single submitter. Criteria: Invitae Variant Classification Sherloc (09022015). Collection method: clinical testing. Allele origin: germline.
Comment: In summary, the available evidence is currently insufficient to determine the role of this variant in disease. Therefore, it has been classified as a Variant of Uncertain Significance. An algorithm developed to predict the effect of missense changes on protein structure and function (PolyPhen-2) suggests that this variant is likely to be tolerated. ClinVar contains an entry for this variant (Variation ID: 1935294). This variant has not been reported in the literature in individuals affected with VCAN-related conditions. This variant is present in population databases (rs757235497, gnomAD 0.002%). This sequence change replaces glutamic acid, which is acidic and polar, with alanine, which is neutral and non-polar, at codon 2173 of the VCAN protein (p.Glu2173Ala).